The following is an entry in ClinVar:

NM_080425.4(GNAS):c.1092C>G (p.Ala364=)

Gene: GNAS (GNAS complex locus; plus strand). Cytogenetic location: 20q13.32.
Variant type: single nucleotide variant.
Coding change: c.1092C>G on transcript NM_080425.4 (MANE Plus Clinical); coding-DNA position 1092, C replaced by G.
Protein change: p.Ala364=; no amino-acid change (alanine 364 retained).
Molecular consequence: synonymous variant. On other transcripts: missense variant (2), intron variant (3).
Genome position (GRCh38, 1-based): chr20:58,854,357, C>G. VCF-style: chr20-58854357-C-G. GRCh37 (hg19) VCF-style: chr20-57429412-C-G.
Other names: c.905C>G, p.Pro302Arg (NM_001077490.3, NM_001309883.1); c.1092C>G, p.Ala364= (NM_001410913.1); c.*42+13471C>G (NM_016592.5); c.43+13471C>G (NM_001410912.1); c.-39+12482C>G (NM_001309861.2); short protein forms P302R.
Identifiers: ClinVar variation 3026764 (VCV003026764.20), dbSNP rs765192652, ClinGen allele CA409458854.

ClinVar aggregate classification (germline): Uncertain significance (1 of 4 stars; one submission).

Submission:

CeGaT Center for Human Genetics Tuebingen
Classification: Uncertain significance. Last evaluated: 2023-12-01. Review status: criteria provided, single submitter. Criteria: CeGaT Center For Human Genetics Tuebingen Variant Classification Criteria Version 2. Collection method: clinical testing. Allele origin: germline. Affected: yes. Observed: 1 variant allele.
Comment: GNAS: PM2, BP4